The following is an entry in ClinVar:

ClinVar aggregate classification (germline): Likely benign. Review status: criteria provided, multiple submitters, no conflicts (2 of 4 stars). 2 submissions from 2 submitters: Likely benign (2). Last evaluated 2025-04-01.

Conditions:
Glycine encephalopathy. Also called: Nonketotic hyperglycinemia; Non-ketotic hyperglycinemia. Identifiers: Orphanet 407, MedGen C0751748, MONDO:0011612, HP:0008288.

gnomAD v4.1: 1 of 1,613,990 alleles (0.000062%); no homozygotes.

Submissions (2):

CeGaT Center for Human Genetics Tuebingen
Classification: Likely benign. Last evaluated: 2025-04-01. Review status: criteria provided, single submitter. Criteria: CeGaT Center For Human Genetics Tuebingen Variant Classification Criteria Version 2. Collection method: clinical testing. Allele origin: germline. Affected: yes. Observed: 1 variant allele.
Comment: AMT: BP4, BP7

Labcorp Genetics (formerly Invitae), Labcorp
Classification: Likely benign for Glycine encephalopathy. Last evaluated: 2023-05-24. Review status: criteria provided, single submitter. Criteria: Invitae Variant Classification Sherloc (09022015). Collection method: clinical testing. Allele origin: germline.

NM_000481.4(AMT):c.930C>T (p.Pro310=)

Gene: AMT (aminomethyltransferase; minus strand). Cytogenetic location: 3p21.31.
Variant type: single nucleotide variant.
Coding change: c.930C>T on transcript NM_000481.4 (MANE Select); coding-DNA position 930, C replaced by T.
Protein change: p.Pro310=; no amino-acid change (proline 310 retained).
Molecular consequence: synonymous variant. On other transcripts: non-coding transcript variant (1).
Genome position (GRCh38, 1-based): chr3:49,417,921, G>A on the plus strand (C>T on the coding strand, the complement: AMT is on the minus strand). VCF-style: chr3-49417921-G-A. GRCh37 (hg19) VCF-style: chr3-49455354-G-A.
Other names: c.798C>T, p.Pro266= (NM_001164710.2); c.762C>T, p.Pro254= (NM_001164711.2); c.930C>T, p.Pro310= (NM_001164712.2).
Identifiers: ClinVar variation 1932320 (VCV001932320.12), dbSNP rs2471146376, ClinGen allele CA433838422.
Genomic context (GRCh38, chr3:49,417,921, plus strand): 5'-CATGGGGGCCCCCTCACACATCAACCCCACACGCCTCCGCTGCACCCTGCCCTTCAGCTG[G>A]GGAACAATGACCTTGGCTCCAGGGAAGTCCATAGCAGCTCGGCGGCGCTTCCCTGGAGAA-3'
Protein context (NP_000472.2, residues 300-320): MDFPGAKVIV[Pro310=]QLKGRVQRRR